The following is an entry in ClinVar:

NM_017415.3(KLHL3):c.1554_1570dup (p.Asn524delinsSerLysTrpGlnThrTer)

Gene: KLHL3 (kelch like family member 3; minus strand). Cytogenetic location: 5q31.2.
Variant type: Duplication.
Coding change: c.1554_1570dup on transcript NM_017415.3 (MANE Select); coding-DNA positions 1554 to 1570, 17 bases duplicated (GCAAGTGGCAGACATGA).
Protein change: p.Asn524delinsSerLysTrpGlnThrTer.
Molecular consequence: nonsense.
Genome position (GRCh38, 1-based): chr5:137,628,318-137,628,334, TCATGTCTGCCACTTGC duplicated on the plus strand (GCAAGTGGCAGACATGA on the coding strand, the reverse complement: KLHL3 is on the minus strand); duplicating any 17 consecutive bases within chr5:137,628,318-137,628,335 gives the same sequence; the c. name uses the placement nearest the transcript's 3' end. VCF-style (leftmost placement, unchanged base first): chr5-137628317-T-TTCATGTCTGCCACTTGC. GRCh37 (hg19) VCF-style: chr5-136964006-T-TTCATGTCTGCCACTTGC.
Other names: c.1458_1474dup, p.Asn492delinsSerLysTrpGlnThrTer (NM_001257194.1); c.1308_1324dup, p.Asn442delinsSerLysTrpGlnThrTer (NM_001257195.2).
Identifiers: ClinVar variation 3235152 (VCV003235152.1), dbSNP rs2479925988.
Genomic context (GRCh38, chr5:137,628,317, plus strand): 5'-ACACAACCCCCAAAGGGGAGATGGAGAGAGCAGTCATTACCTGCGTTGCGCCGGCACATG[T>TTCATGTCTGCCACTTGC]TCATGTCTGCCACTTGCTTCCAGGTATTTGTTCCAGGATCGTAAACCTCAACGCTCTTCC-3'

ClinVar aggregate classification (germline): Pathogenic (1 of 4 stars; one submission).

Conditions:
Pseudohypoaldosteronism type 2D (PHA2D). Also called: FAMILIAL HYPERKALEMIC HYPERTENSION; PSEUDOHYPOALDOSTERONISM, TYPE IID, AUTOSOMAL DOMINANT OR RECESSIVE; Pseudohypoaldosteronism Type IID. Identifiers: Orphanet 300525, Orphanet 757, MedGen C3469605, MONDO:0013781, OMIM 614495.

Submission:

MVZ Medizinische Genetik Mainz
Classification: Pathogenic for Pseudohypoaldosteronism type 2D. Last evaluated: 2021-07-12. Review status: criteria provided, single submitter. Criteria: UK Practice Guidelines For Variant Classification V4 01 2020. Collection method: clinical testing. Allele origin: germline. Inheritance: Autosomal recessive inheritance. Affected: yes. Observed: 1 variant allele.
Comment: ACMG Criteria: PVS1, PM2_SUP, PP4 (ACMG Version 3)